The following is an entry in ClinVar:

ClinVar aggregate classification (germline): Uncertain significance (1 of 4 stars; one submission).

Submission:

Dasa
Classification: Uncertain significance. Last evaluated: 2026-01-15. Review status: criteria provided, single submitter. Criteria: DASA Assertion Criteria. Collection method: clinical testing. Allele origin: germline.
Comment: NM_001379029.1(CERT1):c.893T>C (p.Leu298Pro) is a missense variant that results in the substitution of leucine with proline. This variant is rare in population databases. The currently available literature and clinical evidence are not sufficient to establish a definitive association between this variant and the reported condition. Therefore, this variant is classified as a variant of uncertain significance.

NM_001379029.1(CERT1):c.893T>C (p.Leu298Pro)

Gene: CERT1 (ceramide transporter 1; minus strand). Cytogenetic location: 5q13.3.
Variant type: single nucleotide variant.
Coding change: c.893T>C on transcript NM_001379029.1 (MANE Select); coding-DNA position 893, T replaced by C.
Protein change: p.Leu298Pro; replaces leucine 298 with proline.
Molecular consequence: missense variant.
Genome position (GRCh38, 1-based): chr5:75,411,048, A>G on the plus strand (T>C on the coding strand, the complement: CERT1 is on the minus strand). VCF-style: chr5-75411048-A-G. GRCh37 (hg19) VCF-style: chr5-74706873-A-G.
Other names: c.893T>C, p.Leu298Pro (NM_001379002.1, NM_001379003.1, NM_001379004.1 and 2 more transcripts); c.1277T>C, p.Leu426Pro (NM_001130105.1); short protein forms L298P, L426P.
Identifiers: ClinVar variation 4881107 (VCV004881107.2).
Genomic context (GRCh38, chr5:75,411,048, plus strand): 5'-AAGATCAAAATATAAATTCATACTTCATAATCTGGTCCTCCAAAGTGGGATTTTTTCTTA[A>G]GTTCTGTCATTGCATTTTTATATGCTTCCTCTGTTCTTCTTTTCTTCTCAGTTTCCTATT-3'
Protein context (NP_001365958.1, residues 288-308): EEAYKNAMTE[Leu298Pro]KKKSHFGGPD